The following is an entry in ClinVar:

ClinVar aggregate classification (germline): Conflicting classifications of pathogenicity. Review status: criteria provided, conflicting classifications (1 of 4 stars). 11 submissions from 11 submitters: Uncertain significance (1); Benign (1); Likely benign (7). 2 of the submissions do not count toward it. Last evaluated 2026-05-01.

Conditions:
ACADVL-related disorder. Also called: ACADVL-related condition.
Inborn genetic diseases. Identifiers: MedGen C0950123, MeSH D030342.
Very long chain acyl-CoA dehydrogenase deficiency (ACADVLD). Also called: VLCAD Deficiency; Very Long-Chain Acyl-Coenzyme A Dehydrogenase Deficiency. Identifiers: Orphanet 26793, MedGen C3887523, MONDO:0008723, OMIM 201475.

Allele frequency attached by ClinVar (database versions not stated): gnomAD 0.00058 and 0.00070; ESP Exome Variant Server 0.00069; TOPMed 0.00082; 1000 Genomes Project 0.00100; 1000 Genomes Project 30x 0.00109; ExAC 0.00128; gnomAD exomes 0.00136.
gnomAD v4.1: 1,480 of 1,614,070 alleles (0.092%); highest among the groups gnomAD compares: Middle Eastern, 0.78%; 3 homozygotes.

Submissions (11):

CeGaT Center for Human Genetics Tuebingen
Classification: Likely benign. Last evaluated: 2026-05-01. Review status: criteria provided, single submitter. Criteria: CeGaT Center For Human Genetics Tuebingen Variant Classification Criteria Version 2. Collection method: clinical testing. Allele origin: germline. Affected: yes. Observed: 8 variant alleles.
Comment: ACADVL: BP4, BP7

Labcorp Genetics (formerly Invitae), Labcorp
Classification: Benign for Very long chain acyl-CoA dehydrogenase deficiency. Last evaluated: 2026-02-04. Review status: criteria provided, single submitter. Criteria: Invitae Variant Classification Sherloc (09022015). Collection method: clinical testing. Allele origin: germline.

Mayo Clinic Laboratories, Mayo Clinic
Classification: Likely benign. Last evaluated: 2025-08-05. Review status: criteria provided, single submitter. Criteria: ACMG Guidelines, 2015. Collection method: clinical testing. Allele origin: germline. Observed: 4 variant alleles.
Comment: BS1, BP4, BP7

ARUP Laboratories, Molecular Genetics and Genomics, ARUP Laboratories
Classification: Likely benign for Very long chain acyl-CoA dehydrogenase deficiency. Last evaluated: 2025-01-20. Review status: criteria provided, single submitter. Criteria: ARUP Molecular Germline Variant Investigation Process 2024. Collection method: clinical testing. Allele origin: germline.

Blueprint Genetics
Classification: Likely benign. Last evaluated: 2024-11-27. Review status: criteria provided, single submitter. Criteria: ACMG Guidelines, 2015. Collection method: clinical testing. Allele origin: germline.

Ambry Genetics
Classification: Likely benign for Inborn genetic diseases. Last evaluated: 2022-02-20. Review status: criteria provided, single submitter. Criteria: Ambry Variant Classification Scheme 2023. Collection method: clinical testing. Allele origin: germline.

Pars Genome Lab
Classification: Likely benign for Very long chain acyl-CoA dehydrogenase deficiency. Last evaluated: 2021-05-18. Review status: criteria provided, single submitter. Criteria: ACMG Guidelines, 2015. Collection method: clinical testing. Allele origin: germline. Affected: no.

GeneDx
Classification: Likely benign. Last evaluated: 2021-05-11. Review status: criteria provided, single submitter. Criteria: GeneDx Variant Classification Process June 2021. Collection method: clinical testing. Allele origin: germline. Affected: yes.

Illumina Laboratory Services, Illumina
Classification: Uncertain significance for Very long chain acyl-CoA dehydrogenase deficiency. Last evaluated: 2018-01-12. Review status: criteria provided, single submitter. Criteria: ICSL Variant Classification Criteria 13 December 2019. Collection method: clinical testing. Allele origin: germline.

PreventionGenetics, part of Exact Sciences
Classification: Likely benign for ACADVL-related condition. Last evaluated: 2021-01-28. Review status: no assertion criteria provided. Collection method: clinical testing. Allele origin: germline. Not counted in ClinVar's aggregate classification.
Comment: This variant is classified as likely benign based on ACMG/AMP sequence variant interpretation guidelines (Richards et al. 2015 PMID: 25741868, with internal and published modifications).

Natera, Inc.
Classification: Benign for Very long chain acyl-CoA dehydrogenase deficiency. Last evaluated: 2019-10-21. Review status: no assertion criteria provided. Collection method: clinical testing. Allele origin: germline. Not counted in ClinVar's aggregate classification.

NM_000018.4(ACADVL):c.1824C>T (p.Ile608=)

Gene: ACADVL (acyl-CoA dehydrogenase very long chain; plus strand). Cytogenetic location: 17p13.1.
Variant type: single nucleotide variant.
Coding change: c.1824C>T on transcript NM_000018.4 (MANE Select); coding-DNA position 1824, C replaced by T.
Protein change: p.Ile608=; no amino-acid change (isoleucine 608 retained).
Molecular consequence: synonymous variant.
Genome position (GRCh38, 1-based): chr17:7,224,881, C>T. VCF-style: chr17-7224881-C-T. GRCh37 (hg19) VCF-style: chr17-7128200-C-T.
Other names: p.Ile608=; c.1758C>T, p.Ile586= (NM_001033859.3); c.1893C>T, p.Ile631= (NM_001270447.2); c.1596C>T, p.Ile532= (NM_001270448.2).
Identifiers: ClinVar variation 324996 (VCV000324996.60), dbSNP rs146115467, ClinGen allele CA8338276.
Genomic context (GRCh38, chr17:7,224,881, plus strand): 5'-CCTGAGTGAGGGCCACCCCACGGCCCAGCATGAGAAAATGCTCTGTGACACCTGGTGTAT[C>T]GAGGTGAGACTCGGGGCTGCCAAGCTCAGGTGAGGGCTGGAGGTGCAGGCCCAACCCCTC-3'
Protein context (NP_000009.1, residues 598-618): HEKMLCDTWC[Ile608=]EAAARIREGM